The following is an entry in ClinVar:

ClinVar aggregate classification (germline): Benign. Review status: criteria provided, multiple submitters, no conflicts (2 of 4 stars). 2 submissions from 2 submitters: Benign (2). Last evaluated 2018-06-19.

Allele frequency attached by ClinVar (database versions not stated): gnomAD exomes 0.17891; gnomAD 0.28374 and 0.29272; TOPMed 0.29913; 1000 Genomes Project 0.30351; 1000 Genomes Project 30x 0.31184.
gnomAD v4.1: 112,636 of 537,656 alleles (21%); highest among the groups gnomAD compares: African/African-American, 57%; 15,901 homozygotes.

Submissions (2):

GeneDx
Classification: Benign. Last evaluated: 2018-06-19. Review status: criteria provided, single submitter. Criteria: GeneDx Variant Classification (06012015). Collection method: clinical testing. Allele origin: germline. Affected: yes.
Comment: This variant is considered likely benign or benign based on one or more of the following criteria: it is a conservative change, it occurs at a poorly conserved position in the protein, it is predicted to be benign by multiple in silico algorithms, and/or has population frequency not consistent with disease.

Breakthrough Genomics
Classification: Benign. Review status: criteria provided, single submitter. Criteria: ACMG Guidelines, 2015. Collection method: not provided. Allele origin: germline. Inheritance: Autosomal recessive inheritance. Affected: yes.

NM_001199397.3(NEK1):c.606+124A>G

Gene: NEK1 (NIMA related kinase 1; minus strand). Cytogenetic location: 4q33.
Variant type: single nucleotide variant.
Coding change: c.606+124A>G on transcript NM_001199397.3 (MANE Select); 124 bases into the intron after coding-DNA position 606, A replaced by G.
Molecular consequence: intron variant.
Genome position (GRCh38, 1-based): chr4:169,587,435, T>C on the plus strand (A>G on the coding strand, the complement: NEK1 is on the minus strand). VCF-style: chr4-169587435-T-C. GRCh37 (hg19) VCF-style: chr4-170508586-T-C.
Other names: c.606+124A>G (NM_001374421.1, NM_001374420.1, NM_001199399.3 and 7 more transcripts).
Identifiers: ClinVar variation 667905 (VCV000667905.2), dbSNP rs9993493, ClinGen allele CA11913145.
Genomic context (GRCh38, chr4:169,587,435, plus strand): 5'-ATATGCATATATACAAAGGGAAATCGATTTATACTTCAGAAAAAATGAGAAATTCAAAAA[T>C]GGACTTAGAGGAGAATTTCTAGGATGAGGGTTACCTGAAAGATAATATAACTTAAAATAT-3'